The following is an entry in ClinVar:

NM_001308093.3(GATA4):c.913-3C>T

Gene: GATA4 (GATA binding protein 4). Cytogenetic location: 8p23.1.
Variant type: single nucleotide variant.
Coding change: c.913-3C>T on transcript NM_001308093.3 (MANE Select); 3 bases into the intron before coding-DNA position 913, C replaced by T.
Molecular consequence: intron variant.
Genome position (GRCh38, 1-based): chr8:11,755,043, C>T. VCF-style: chr8-11755043-C-T. GRCh37 (hg19) VCF-style: chr8-11612552-C-T.
Other names: c.292-3C>T (NM_001308094.2, NM_001374273.1); c.910-3C>T (NM_002052.5); c.166-3C>T (NM_001374274.1).
Identifiers: ClinVar variation 2713689 (VCV002713689.3), dbSNP rs750413934, ClinGen allele CA4630758.

ClinVar aggregate classification (germline): Uncertain significance (1 of 4 stars; one submission).

Conditions:
Atrioventricular septal defect 4 (AVSD4). Identifiers: MedGen C3280781, MONDO:0013747, OMIM 614430.

Allele frequency attached by ClinVar (database versions not stated): gnomAD exomes below 0.00001; ExAC 0.00001.
gnomAD v4.1: 2 of 1,613,140 alleles (0.00012%); highest among the groups gnomAD compares: Admixed American, 0.0017%; no homozygotes.

Submission:

Labcorp Genetics (formerly Invitae), Labcorp
Classification: Uncertain significance for Atrioventricular septal defect 4. Last evaluated: 2023-05-30. Review status: criteria provided, single submitter. Criteria: Invitae Variant Classification Sherloc (09022015). Collection method: clinical testing. Allele origin: germline.
Comment: In summary, the available evidence is currently insufficient to determine the role of this variant in disease. Therefore, it has been classified as a Variant of Uncertain Significance. Variants that disrupt the consensus splice site are a relatively common cause of aberrant splicing (PMID: 17576681, 9536098). Algorithms developed to predict the effect of sequence changes on RNA splicing suggest that this variant is not likely to affect RNA splicing. This variant has not been reported in the literature in individuals affected with GATA4-related conditions. This variant is present in population databases (rs750413934, gnomAD 0.003%). This sequence change falls in intron 4 of the GATA4 gene. It does not directly change the encoded amino acid sequence of the GATA4 protein. It affects a nucleotide within the consensus splice site.

Literature cited by the submitters: PubMed 17576681; PubMed 9536098.